The following is an entry in ClinVar:

ClinVar aggregate classification (germline): Uncertain significance. Review status: criteria provided, multiple submitters, no conflicts (2 of 4 stars). 3 submissions from 3 submitters: Uncertain significance (3). Last evaluated 2025-04-23.

Conditions:
RPGRIP1L-related disorder. Also called: RPGRIP1L-related condition; RPGRIP1L-related disorders. Identifiers: MedGen CN239416.
Joubert syndrome. Also called: JOUBERT-BOLTSHAUSER SYNDROME; Familial aplasia of the vermis. Identifiers: Orphanet 475, MedGen C5979921, MONDO:0018772.
Meckel-Gruber syndrome. Also called: DYSENCEPHALIA SPLANCHNOCYSTICA; GRUBER SYNDROME; Dysencephalia splachnocystica. Identifiers: Orphanet 564, MedGen C0265215, MONDO:0018921.
COACH syndrome 3. Identifiers: MedGen C5436841, MONDO:0030862, OMIM 619113.
Meckel syndrome, type 5 (MKS5). Identifiers: Orphanet 564, MedGen C1969052, MONDO:0012695, OMIM 611561.
Joubert syndrome 7 (JBTS7). Identifiers: Orphanet 220497, MedGen C1969053, MONDO:0012694, OMIM 611560.

Allele frequency attached by ClinVar (database versions not stated): gnomAD 0.00001; TOPMed 0.00001.
gnomAD v4.1: 15 of 1,613,662 alleles (0.00093%); highest among the groups gnomAD compares: South Asian, 0.0066%; no homozygotes.

Submissions (3):

PreventionGenetics, part of Exact Sciences
Classification: Uncertain significance for RPGRIP1L-related condition. Last evaluated: 2025-04-23. Review status: criteria provided, single submitter. Criteria: ACMG Guidelines, 2015. Collection method: clinical testing. Allele origin: germline.
Comment: The RPGRIP1L c.2126G>A variant is predicted to result in the amino acid substitution p.Arg709Gln. To our knowledge, this variant has not been reported in the literature. This variant is reported in 0.013% of alleles in individuals of South Asian descent in gnomAD. At this time, the clinical significance of this variant is uncertain due to the absence of conclusive functional and genetic evidence.

Fulgent Genetics
Classification: Uncertain significance for Joubert syndrome 7; Meckel syndrome, type 5; COACH syndrome 3. Last evaluated: 2024-02-03. Review status: criteria provided, single submitter. Criteria: ACMG Guidelines, 2015. Collection method: clinical testing. Allele origin: germline.

Labcorp Genetics (formerly Invitae), Labcorp
Classification: Uncertain significance for Joubert syndrome; Meckel-Gruber syndrome. Last evaluated: 2022-07-12. Review status: criteria provided, single submitter. Criteria: Invitae Variant Classification Sherloc (09022015). Collection method: clinical testing. Allele origin: germline.
Comment: This sequence change replaces arginine, which is basic and polar, with glutamine, which is neutral and polar, at codon 709 of the RPGRIP1L protein (p.Arg709Gln). This variant is present in population databases (rs74396053, gnomAD 0.01%). This variant has not been reported in the literature in individuals affected with RPGRIP1L-related conditions. Algorithms developed to predict the effect of missense changes on protein structure and function are either unavailable or do not agree on the potential impact of this missense change (SIFT: "Deleterious"; PolyPhen-2: "Probably Damaging"; Align-GVGD: "Class C0"). In summary, the available evidence is currently insufficient to determine the role of this variant in disease. Therefore, it has been classified as a Variant of Uncertain Significance.

NM_015272.5(RPGRIP1L):c.2126G>A (p.Arg709Gln)

Gene: RPGRIP1L (RPGRIP1 like; minus strand). Cytogenetic location: 16q12.2.
Variant type: single nucleotide variant.
Coding change: c.2126G>A on transcript NM_015272.5 (MANE Select); coding-DNA position 2126, G replaced by A.
Protein change: p.Arg709Gln; replaces arginine 709 with glutamine.
Molecular consequence: missense variant.
Genome position (GRCh38, 1-based): chr16:53,652,561, C>T on the plus strand (G>A on the coding strand, the complement: RPGRIP1L is on the minus strand). VCF-style: chr16-53652561-C-T. GRCh37 (hg19) VCF-style: chr16-53686473-C-T.
Other names: c.2126G>A (NM_015272.4); c.2126G>A, p.Arg709Gln (NM_001127897.4, NM_001308334.3, NM_001330538.2); short protein forms R709Q.
Identifiers: ClinVar variation 1906198 (VCV001906198.5), dbSNP rs74396053, ClinGen allele CA8057633.
Genomic context (GRCh38, chr16:53,652,561, plus strand): 5'-ATTCAAACACCCAAGGCTTATACATTGTACTTACCAATCAAACTTGCTGTACAAAATATT[C>T]GGCCGCTTTTTTCAAGAATTTCGTGAAATTTTAATTGACATGCTGCAATTGTTTCATATT-3'
Protein context (NP_056087.2, residues 699-719): KFHEILEKSG[Arg709Gln]IFCTASLIGT